The following is an entry in ClinVar:

ClinVar aggregate classification (germline): not provided (0 of 4 stars; one submission).

Allele frequency attached by ClinVar (database versions not stated): gnomAD exomes 0.00040 and 0.00114; ExAC 0.00145; 1000 Genomes Project 0.00339; gnomAD 0.00419 and 0.00450; 1000 Genomes Project 30x 0.00437; TOPMed 0.00503; ESP Exome Variant Server 0.00538.
gnomAD v4.1: 1,228 of 1,612,048 alleles (0.076%); highest among the groups gnomAD compares: African/African-American, 1.5%; 10 homozygotes.

Submission:

ITMI
No classification provided. Condition: AllHighlyPenetrant. Last evaluated: 2013-09-19. Review status: no classification provided. Collection method: reference population. Allele origin: germline.
Comment: Please see associated publication for description of ethnicities

Literature cited by the submitters: PubMed 24728327.

NM_003902.5(FUBP1):c.1588A>G (p.Thr530Ala)

Gene: FUBP1 (far upstream element binding protein 1; minus strand). Cytogenetic location: 1p31.1.
Variant type: single nucleotide variant.
Coding change: c.1588A>G on transcript NM_003902.5 (MANE Select); coding-DNA position 1588, A replaced by G.
Protein change: p.Thr530Ala; replaces threonine 530 with alanine.
Molecular consequence: missense variant. On other transcripts: non-coding transcript variant (5).
Genome position (GRCh38, 1-based): chr1:77,956,689, T>C on the plus strand (A>G on the coding strand, the complement: FUBP1 is on the minus strand). VCF-style: chr1-77956689-T-C. GRCh37 (hg19) VCF-style: chr1-78422374-T-C.
Other names: c.1651A>G, p.Thr551Ala (NM_001303433.2); c.1648A>G, p.Thr550Ala (NM_001376055.1); c.1585A>G, p.Thr529Ala (NM_001376056.1, NM_001376057.1); short protein forms T530A, T551A, T550A, T529A.
Identifiers: ClinVar variation 134458 (VCV000134458.1), dbSNP rs150162389, ClinGen allele CA159875.